The following is an entry in ClinVar:

ClinVar aggregate classification (germline): Uncertain significance (1 of 4 stars; one submission).

Submission:

GeneDx
Classification: Uncertain significance. Last evaluated: 2015-07-02. Review status: criteria provided, single submitter. Criteria: GeneDx Variant Classification (06012015). Collection method: clinical testing. Allele origin: germline. Affected: yes.
Comment: The L1077P variant in the FLNA gene has not been published as a mutation, nor has it been reported as a benign polymorphism to our knowledge. The L1077P variant was not observed in approximately 6,100 individuals of European and African American ancestry in the NHLBI Exome Sequencing Project, indicating it is not a common benign variant in these populations. The L1077P variant is a semi-conservative amino acid substitution, which may impact secondary protein structure as these residues differ in some properties. This substitution occurs at a position within the 9th filamin repeat domain that is conserved across species. In silico analysis predicts this variant is probably damaging to the protein structure/function. We interpret L1077P as a variant of unknown significance. This variant was found in FLNA

NM_001110556.2(FLNA):c.3230T>C (p.Leu1077Pro)

Gene: FLNA (filamin A; minus strand). Cytogenetic location: Xq28.
Variant type: single nucleotide variant.
Coding change: c.3230T>C on transcript NM_001110556.2 (MANE Select); coding-DNA position 3230, T replaced by C.
Protein change: p.Leu1077Pro; replaces leucine 1077 with proline.
Molecular consequence: missense variant.
Genome position (GRCh38, 1-based): chrX:154,360,565, A>G on the plus strand (T>C on the coding strand, the complement: FLNA is on the minus strand). VCF-style: chrX-154360565-A-G. GRCh37 (hg19) VCF-style: chrX-153588933-A-G.
Other names: p.L1077P:CTG>CCG; c.3230T>C, p.Leu1077Pro (NM_001456.4); short protein forms L1077P.
Identifiers: ClinVar variation 213504 (VCV000213504.2), dbSNP rs863223638, ClinGen allele CA323521.
Genomic context (GRCh38, chrX:154,360,565, plus strand): 5'-GTGCCGGCGCCCTTGGTGTCGATGGTGAAGCGGGCGGGGGAGCCCGCACTGCCTCCCTGC[A>G]GCCCCGGCCCAAACGCCTTCACCTGAGGGAAGAAGGGGTCAGGAGCCAAGGCCACACTAT-3'
Protein context (NP_001104026.1, residues 1067-1087): PSKVKAFGPG[Leu1077Pro]QGGSAGSPAR